The following is an entry in ClinVar:

NM_005559.4(LAMA1):c.5404G>C (p.Glu1802Gln)

Gene: LAMA1 (laminin subunit alpha 1; minus strand). Cytogenetic location: 18p11.31.
Variant type: single nucleotide variant.
Coding change: c.5404G>C on transcript NM_005559.4 (MANE Select); coding-DNA position 5404, G replaced by C.
Protein change: p.Glu1802Gln; replaces glutamic acid 1802 with glutamine.
Molecular consequence: missense variant.
Genome position (GRCh38, 1-based): chr18:6,985,619, C>G on the plus strand (G>C on the coding strand, the complement: LAMA1 is on the minus strand). VCF-style: chr18-6985619-C-G. GRCh37 (hg19) VCF-style: chr18-6985618-C-G.
Other names: short protein forms E1802Q.
Identifiers: ClinVar variation 1395559 (VCV001395559.6), dbSNP rs2144058409, ClinGen allele CA401838114.
Genomic context (GRCh38, chr18:6,985,619, plus strand): 5'-CAGCAGCAGCATCTATCAATCCTCTTCCTTGGACAATGAGCTCTGAGGTCAGATTTTGTT[C>G]TTCTTGAACATGCAGCTTTTTATCCTGCAGCAGAAACGGCATTTTAAGGGTGCTTCATAA-3'
Protein context (NP_005550.2, residues 1792-1812): FSDKKLHVQE[Glu1802Gln]QNLTSELIVQ

ClinVar aggregate classification (germline): Uncertain significance (1 of 4 stars; one submission).

Allele frequency attached by ClinVar (database versions not stated): gnomAD exomes 0.00001.
gnomAD v4.1: 16 of 1,613,872 alleles (0.00099%); highest among the groups gnomAD compares: Non-Finnish European, 0.0013%; no homozygotes.

Submission:

Labcorp Genetics (formerly Invitae), Labcorp
Classification: Uncertain significance. Last evaluated: 2021-11-28. Review status: criteria provided, single submitter. Criteria: Invitae Variant Classification Sherloc (09022015). Collection method: clinical testing. Allele origin: germline.
Comment: This variant has not been reported in the literature in individuals affected with LAMA1-related conditions. Algorithms developed to predict the effect of missense changes on protein structure and function output the following: SIFT: "Tolerated"; PolyPhen-2: "Benign"; Align-GVGD: "Class C0". The glutamine amino acid residue is found in multiple mammalian species, which suggests that this missense change does not adversely affect protein function. In summary, the available evidence is currently insufficient to determine the role of this variant in disease. Therefore, it has been classified as a Variant of Uncertain Significance. This variant is not present in population databases (gnomAD no frequency). This sequence change replaces glutamic acid, which is acidic and polar, with glutamine, which is neutral and polar, at codon 1802 of the LAMA1 protein (p.Glu1802Gln).